The following is an entry in ClinVar:

NM_001367823.1(ARHGEF18):c.2569T>A (p.Phe857Ile)

Gene: ARHGEF18 (Rho/Rac guanine nucleotide exchange factor 18; plus strand). Cytogenetic location: 19p13.2.
Variant type: single nucleotide variant.
Coding change: c.2569T>A on transcript NM_001367823.1 (MANE Select); coding-DNA position 2569, T replaced by A.
Protein change: p.Phe857Ile; replaces phenylalanine 857 with isoleucine.
Molecular consequence: missense variant.
Genome position (GRCh38, 1-based): chr19:7,462,268, T>A. VCF-style: chr19-7462268-T-A. GRCh37 (hg19) VCF-style: chr19-7527154-T-A.
Other names: c.1843T>A, p.Phe615Ile (NM_001130955.2); c.1531T>A, p.Phe511Ile (NM_001367824.1, NM_015318.4); short protein forms F857I, F511I, F615I.
Identifiers: ClinVar variation 1388832 (VCV001388832.5), dbSNP rs767204598, ClinGen allele CA9136904.

ClinVar aggregate classification (germline): Uncertain significance. Review status: criteria provided, multiple submitters, no conflicts (2 of 4 stars). 2 submissions from 2 submitters: Uncertain significance (2). Last evaluated 2024-11-15.

Allele frequency attached by ClinVar (database versions not stated): TOPMed below 0.00001; ExAC 0.00002.
gnomAD v4.1: 80 of 1,613,532 alleles (0.005%); highest among the groups gnomAD compares: Non-Finnish European, 0.0067%; no homozygotes.

Submissions (2):

Blueprint Genetics
Classification: Uncertain significance. Last evaluated: 2024-11-15. Review status: criteria provided, single submitter. Criteria: ACMG Guidelines, 2015. Collection method: clinical testing. Allele origin: germline.

Labcorp Genetics (formerly Invitae), Labcorp
Classification: Uncertain significance. Last evaluated: 2022-03-09. Review status: criteria provided, single submitter. Criteria: Invitae Variant Classification Sherloc (09022015). Collection method: clinical testing. Allele origin: germline.
Comment: In summary, the available evidence is currently insufficient to determine the role of this variant in disease. Therefore, it has been classified as a Variant of Uncertain Significance. Algorithms developed to predict the effect of missense changes on protein structure and function are either unavailable or do not agree on the potential impact of this missense change (SIFT: "Deleterious"; PolyPhen-2: "Benign"; Align-GVGD: "Class C0"). This variant has not been reported in the literature in individuals affected with ARHGEF18-related conditions. This variant is present in population databases (rs767204598, gnomAD 0.003%). This sequence change replaces phenylalanine, which is neutral and non-polar, with isoleucine, which is neutral and non-polar, at codon 669 of the ARHGEF18 protein (p.Phe669Ile).